The following is an entry in ClinVar:

NM_004656.4(BAP1):c.1063C>T (p.Gln355Ter)

Gene: BAP1 (BRCA1 associated deubiquitinase 1; minus strand). Cytogenetic location: 3p21.1.
Variant type: single nucleotide variant.
Coding change: c.1063C>T on transcript NM_004656.4 (MANE Select); coding-DNA position 1063, C replaced by T.
Protein change: p.Gln355Ter; replaces glutamine 355 with a stop codon.
Molecular consequence: nonsense.
Genome position (GRCh38, 1-based): chr3:52,405,163, G>A on the plus strand (C>T on the coding strand, the complement: BAP1 is on the minus strand). VCF-style: chr3-52405163-G-A. GRCh37 (hg19) VCF-style: chr3-52439179-G-A.
Other names: short protein forms Q355*.
Identifiers: ClinVar variation 224520 (VCV000224520.11), dbSNP rs869312757, ClinGen allele CA353507.

ClinVar aggregate classification (germline): Pathogenic. Review status: criteria provided, multiple submitters, no conflicts (2 of 4 stars). 3 submissions from 3 submitters: Pathogenic (3). Last evaluated 2025-12-21.

Conditions:
Hereditary cancer-predisposing syndrome. Also called: Tumor predisposition; Hereditary neoplastic syndrome; Neoplastic Syndromes, Hereditary; Hereditary Cancer Syndrome. Identifiers: Orphanet 140162, MedGen C0027672, MeSH D009386, MONDO:0015356.
BAP1-related tumor predisposition syndrome (TPDS1). Also called: Tumor susceptibility linked to germline BAP1 mutations; BAP1 tumor predisposition syndrome; COMMON Syndrome; TUMOR PREDISPOSITION SYNDROME 1. Identifiers: Orphanet 289539, MedGen C3280492, MONDO:0013692, OMIM 614327.

Submissions (3):

Labcorp Genetics (formerly Invitae), Labcorp
Classification: Pathogenic for BAP1-related tumor predisposition syndrome. Last evaluated: 2025-12-21. Review status: criteria provided, single submitter. Criteria: Invitae Variant Classification Sherloc (09022015). Collection method: clinical testing. Allele origin: germline.
Comment: This sequence change creates a premature translational stop signal (p.Gln355*) in the BAP1 gene. It is expected to result in an absent or disrupted protein product. Loss-of-function variants in BAP1 are known to be pathogenic (PMID: 21874000, 23684012). This variant is not present in population databases (gnomAD no frequency). This premature translational stop signal has been observed in individual(s) with melanoma and kidney cancer (PMID: 26845104). ClinVar contains an entry for this variant (Variation ID: 224520). Studies have shown that this premature translational stop signal is associated with inconclusive levels of altered splicing (internal data). For these reasons, this variant has been classified as Pathogenic.

Ambry Genetics
Classification: Pathogenic for Hereditary cancer-predisposing syndrome. Last evaluated: 2017-10-05. Review status: criteria provided, single submitter. Criteria: Ambry Variant Classification Scheme 2023. Collection method: clinical testing. Allele origin: germline.
Comment: The p.Q355* pathogenic mutation (also known as c.1063C>T), located in coding exon 11 of the BAP1 gene, results from a C to T substitution at nucleotide position 1063. This changes the amino acid from a glutamine to a stop codon within coding exon 11. This mutation was observed in a patient with a history of melanoma and kidney cancer who underwent multi-gene panel testing (Shirts BH et al. Genet. Med., 2016 Oct;18:974-81). In addition to the clinical data presented in the literature, this alteration is expected to result in loss of function by premature protein truncation or nonsense-mediated mRNA decay. As such, this alteration is interpreted as a disease-causing mutation.

University of Washington Department of Laboratory Medicine, University of Washington
Classification: Pathogenic for Hereditary cancer-predisposing syndrome. Last evaluated: 2015-11-20. Review status: criteria provided, single submitter. Criteria: Shirts et al. (Genet Med 2016). Collection method: clinical testing. Allele origin: germline. Affected: yes. Observed: 1 variant allele.

Literature cited by the submitters: PubMed 21874000 (cited by Labcorp Genetics (formerly Invitae), Labcorp); PubMed 23684012 (cited by Labcorp Genetics (formerly Invitae), Labcorp); PubMed 26845104 (cited by Labcorp Genetics (formerly Invitae), Labcorp and Ambry Genetics).